The following is an entry in ClinVar:

ClinVar aggregate classification (germline): Likely pathogenic (1 of 4 stars; one submission).

Conditions:
CDKL5 disorder. Identifiers: MedGen CN296942, MONDO:0100039.

Submission:

Centre for Population Genomics, CPG
Classification: Likely pathogenic for CDKL5 disorder. Last evaluated: 2024-09-20. Review status: criteria provided, single submitter. Criteria: McKnight et al. (Hum Mutat. 2022). Collection method: curation. Allele origin: germline. Inheritance: X-linked inheritance.
Comment: This variant has been collected from RettBASE and curated to current modified ACMG/AMP criteria. Based on the classification scheme defined by the ClinGen Rett/Angelman-like Expert Panel for Rett/AS-like Disorders Specifications to the ACMG/AMP Variant Interpretation Guidelines VCEP 3.0, this variant is classified as likely pathogenic. At least the following criteria are met: Predicted to result in loss of function, and LOF is a known mechanism of disease (PVS1). This variant is absent from gnomAD v4 (PM2_Supporting).

NM_001323289.2(CDKL5):c.1371dup (p.Leu458fs)

Gene: CDKL5 (cyclin dependent kinase like 5; plus strand). Cytogenetic location: Xp22.13.
Variant type: Duplication.
Coding change: c.1371dup on transcript NM_001323289.2 (MANE Select); coding-DNA position 1371, one base duplicated (A; older notation c.1371dupA).
Protein change: p.Leu458fs; shifts the reading frame from leucine 458.
Molecular consequence: frameshift variant.
Genome position (GRCh38, 1-based): chrX:18,604,295, A duplicated. VCF-style (leftmost placement, unchanged base first): chrX-18604294-C-CA. GRCh37 (hg19) VCF-style: chrX-18622414-C-CA.
Other names: NM_003159.3:c.1371dup; c.1371dup, p.Leu458fs (NM_001037343.2, NM_003159.3); short protein forms L458fs.
Identifiers: ClinVar variation 3344006 (VCV003344006.1).